The following is an entry in ClinVar:

NM_032043.3(BRIP1):c.1754_1756del (p.Ala585del)

Gene: BRIP1 (BRCA1 interacting DNA helicase 1; minus strand). Cytogenetic location: 17q23.2.
Variant type: Deletion.
Coding change: c.1754_1756del on transcript NM_032043.3 (MANE Select); coding-DNA positions 1754 to 1756, 3 bases deleted (CAG; older notation c.1754_1756delCAG).
Protein change: p.Ala585del; deletes alanine 585.
Molecular consequence: inframe deletion.
Genome position (GRCh38, 1-based): chr17:61,780,878-61,780,880, CTG deleted on the plus strand (CAG on the coding strand, the reverse complement: BRIP1 is on the minus strand); deleting any 3 consecutive bases within chr17:61,780,878-61,780,881 gives the same sequence; the c. name uses the placement nearest the transcript's 3' end. VCF-style (leftmost placement, unchanged base first): chr17-61780877-ACTG-A. GRCh37 (hg19) VCF-style: chr17-59858238-ACTG-A.
Other names: short protein forms A585del.
Identifiers: ClinVar variation 820008 (VCV000820008.4), dbSNP rs1603334346, ClinGen allele CA915950705.

ClinVar aggregate classification (germline): Uncertain significance (1 of 4 stars; one submission).

Conditions:
Hereditary cancer-predisposing syndrome. Also called: Neoplastic Syndromes, Hereditary; Tumor predisposition; Hereditary Cancer Syndrome; Hereditary neoplastic syndrome. Identifiers: Orphanet 140162, MedGen C0027672, MeSH D009386, MONDO:0015356.

Submission:

Ambry Genetics
Classification: Uncertain significance for Hereditary cancer-predisposing syndrome. Last evaluated: 2018-05-04. Review status: criteria provided, single submitter. Criteria: Ambry Variant Classification Scheme 2023. Collection method: clinical testing. Allele origin: germline.
Comment: The c.1754_1756delCAG variant (also known as p.A585del) is located in coding exon 11 of the BRIP1 gene. This variant results from an in-frame CAG deletion at nucleotide positions 1754 to 1756. This results in the in-frame deletion of an alanine at codon 585. This amino acid position is not well conserved in available vertebrate species. Since supporting evidence is limited at this time, the clinical significance of this alteration remains unclear.